The following is an entry in ClinVar:

ClinVar aggregate classification (germline): Uncertain significance (1 of 4 stars; one submission).

gnomAD v4.1: 1 of 1,613,918 alleles (0.000062%); highest among the groups gnomAD compares: Non-Finnish European, 0.000085%; no homozygotes.

Submission:

GeneDx
Classification: Uncertain significance. Last evaluated: 2025-05-12. Review status: criteria provided, single submitter. Criteria: GeneDx Variant Classification Process June 2021. Collection method: clinical testing. Allele origin: germline.
Comment: Not observed at significant frequency in large population cohorts (gnomAD); In silico analysis supports that this missense variant has a deleterious effect on protein structure/function; Has not been previously published as pathogenic or benign to our knowledge

NM_001242896.3(DEPDC5):c.1196T>C (p.Ile399Thr)

Gene: DEPDC5 (DEP domain containing 5, GATOR1 subcomplex subunit; plus strand). Cytogenetic location: 22q12.3.
Variant type: single nucleotide variant.
Coding change: c.1196T>C on transcript NM_001242896.3 (MANE Select); coding-DNA position 1196, T replaced by C.
Protein change: p.Ile399Thr; replaces isoleucine 399 with threonine.
Molecular consequence: missense variant. On other transcripts: non-coding transcript variant (5).
Genome position (GRCh38, 1-based): chr22:31,804,894, T>C. VCF-style: chr22-31804894-T-C. GRCh37 (hg19) VCF-style: chr22-32200880-T-C.
Other names: c.1196T>C, p.Ile399Thr (NM_001007188.4, NM_001136029.4, NM_001242897.2 and 7 more transcripts); c.1112T>C, p.Ile371Thr (NM_001369901.1, NM_001369902.1); short protein forms I371T, I399T.
Identifiers: ClinVar variation 3364420 (VCV003364420.2).